The following is an entry in ClinVar:

ClinVar aggregate classification (germline): Benign/Likely benign. Review status: criteria provided, multiple submitters, no conflicts (2 of 4 stars). 2 submissions from 2 submitters: Benign (1); Likely benign (1). Last evaluated 2026-04-06.

Conditions:
GABRB1-related disorder. Also called: GABRB1-related condition.

Allele frequency attached by ClinVar (database versions not stated): gnomAD exomes 0.00041; ExAC 0.00055; 1000 Genomes Project 0.00100; 1000 Genomes Project 30x 0.00109; gnomAD 0.00153 and 0.00167; TOPMed 0.00171; ESP Exome Variant Server 0.00231.
gnomAD v4.1: 429 of 1,611,464 alleles (0.027%); highest among the groups gnomAD compares: African/African-American, 0.51%; 1 homozygote.

Submissions (2):

PreventionGenetics, part of Exact Sciences
Classification: Benign for GABRB1-related condition. Last evaluated: 2026-04-06. Review status: criteria provided, single submitter. Criteria: ACMG Guidelines, 2015. Collection method: clinical testing. Allele origin: germline.
Comment: This variant is classified as benign based on ACMG/AMP sequence variant interpretation guidelines (Richards et al. 2015 PMID: 25741868, with internal and published modifications).

Labcorp Genetics (formerly Invitae), Labcorp
Classification: Likely benign. Last evaluated: 2026-01-21. Review status: criteria provided, single submitter. Criteria: Invitae Variant Classification Sherloc (09022015). Collection method: clinical testing. Allele origin: germline.

NM_000812.4(GABRB1):c.835+6A>G

Gene: GABRB1 (gamma-aminobutyric acid type A receptor subunit beta1; plus strand). Cytogenetic location: 4p12.
Variant type: single nucleotide variant.
Coding change: c.835+6A>G on transcript NM_000812.4 (MANE Select); 6 bases into the intron after coding-DNA position 835, A replaced by G.
Molecular consequence: intron variant.
Genome position (GRCh38, 1-based): chr4:47,403,717, A>G. VCF-style: chr4-47403717-A-G. GRCh37 (hg19) VCF-style: chr4-47405734-A-G.
Identifiers: ClinVar variation 729137 (VCV000729137.12), dbSNP rs181135297, ClinGen allele CA2907687.
Genomic context (GRCh38, chr4:47,403,717, plus strand): 5'-TCCTGGGTGTCTTTTTGGATCAACTATGATGCATCTGCAGCCAGAGTCGCACTAGGTAAT[A>G]CATTCTCAGCACTGCAGAGAGCTAACAGATTTTACTTTCAAACAAATAACCAATATCAGG-3'